The following is an entry in ClinVar:

NM_000051.4(ATM):c.5402del (p.Asn1801fs)

Gene: ATM (ATM serine/threonine kinase; plus strand). Cytogenetic location: 11q22.3.
Variant type: Deletion.
Coding change: c.5402del on transcript NM_000051.4 (MANE Select); coding-DNA position 5402, one base deleted (A; older notation c.5402delA).
Protein change: p.Asn1801fs; shifts the reading frame from asparagine 1801.
Molecular consequence: frameshift variant.
Genome position (GRCh38, 1-based): chr11:108,302,935, A deleted; the last of 4 consecutive A bases (chr11:108,302,932-108,302,935); deleting any one gives the same sequence. VCF-style (leftmost placement, unchanged base first): chr11-108302931-GA-G. GRCh37 (hg19) VCF-style: chr11-108173658-GA-G.
Other names: c.5402del, p.Asn1801fs (NM_001351834.2); short protein forms N1801fs.
Identifiers: ClinVar variation 1075149 (VCV001075149.7), dbSNP rs1555106438, ClinGen allele CA2499220657.

ClinVar aggregate classification (germline): Pathogenic (1 of 4 stars; one submission).

Conditions:
Ataxia-telangiectasia syndrome (AT). Also called: Cerebello-oculocutaneous telangiectasia; Immunodeficiency with ataxia telangiectasia; ATAXIA-TELANGIECTASIA, FRESNO VARIANT; Ataxia-telangiectasia, complementation group D; Ataxia telangiectasia (A-T); LOUIS-BAR SYNDROME. Identifiers: Orphanet 100, MedGen C0004135, MONDO:0008840, OMIM 208900.

Submission:

Labcorp Genetics (formerly Invitae), Labcorp
Classification: Pathogenic for Ataxia-telangiectasia syndrome. Last evaluated: 2025-05-19. Review status: criteria provided, single submitter. Criteria: Invitae Variant Classification Sherloc (09022015). Collection method: clinical testing. Allele origin: germline.
Comment: This sequence change creates a premature translational stop signal (p.Asn1801Ilefs*6) in the ATM gene. It is expected to result in an absent or disrupted protein product. Loss-of-function variants in ATM are known to be pathogenic (PMID: 23807571, 25614872). This variant is not present in population databases (gnomAD no frequency). This variant has not been reported in the literature in individuals affected with ATM-related conditions. ClinVar contains an entry for this variant (Variation ID: 1075149). Algorithms developed to predict the effect of sequence changes on RNA splicing suggest that this variant may disrupt the consensus splice site. For these reasons, this variant has been classified as Pathogenic.

Literature cited by the submitters: PubMed 23807571; PubMed 25614872.